The following is an entry in ClinVar:

NM_006005.3(WFS1):c.2142C>G (p.Asn714Lys)

Gene: WFS1 (wolframin ER transmembrane glycoprotein; plus strand). Cytogenetic location: 4p16.1.
Variant type: single nucleotide variant.
Coding change: c.2142C>G on transcript NM_006005.3 (MANE Select); coding-DNA position 2142, C replaced by G.
Protein change: p.Asn714Lys; replaces asparagine 714 with lysine.
Molecular consequence: missense variant.
Genome position (GRCh38, 1-based): chr4:6,301,937, C>G. VCF-style: chr4-6301937-C-G. GRCh37 (hg19) VCF-style: chr4-6303664-C-G.
Other names: c.2142C>G, p.Asn714Lys (NM_001145853.1); short protein forms N714K.
Identifiers: ClinVar variation 2831353 (VCV002831353.4), dbSNP rs1446157294, ClinGen allele CA356177866.

ClinVar aggregate classification (germline): Conflicting classifications of pathogenicity. Review status: criteria provided, conflicting classifications (1 of 4 stars). 2 submissions from 2 submitters: Likely pathogenic (1); Uncertain significance (1). Last evaluated 2025-02-16.

Submissions (2):

Laboratory of Genetics, Children's Clinical University Hospital Latvia
Classification: Likely pathogenic. Last evaluated: 2025-02-16. Review status: criteria provided, single submitter. Criteria: ACMG Guidelines, 2015. Collection method: clinical testing. Allele origin: germline. Affected: yes.

Labcorp Genetics (formerly Invitae), Labcorp
Classification: Uncertain significance. Last evaluated: 2023-01-27. Review status: criteria provided, single submitter. Criteria: Invitae Variant Classification Sherloc (09022015). Collection method: clinical testing. Allele origin: germline.
Comment: This sequence change replaces asparagine, which is neutral and polar, with lysine, which is basic and polar, at codon 714 of the WFS1 protein (p.Asn714Lys). This variant is not present in population databases (gnomAD no frequency). This missense change has been observed in individual(s) with autosomal dominant Wolfram syndrome (Invitae). Algorithms developed to predict the effect of missense changes on protein structure and function (SIFT, PolyPhen-2, Align-GVGD) all suggest that this variant is likely to be disruptive. In summary, the available evidence is currently insufficient to determine the role of this variant in disease. Therefore, it has been classified as a Variant of Uncertain Significance.